The following is an entry in ClinVar:

ClinVar aggregate classification (germline): Uncertain significance (1 of 4 stars; one submission).

gnomAD v4.1: 27 of 1,539,580 alleles (0.0018%); highest among the groups gnomAD compares: Non-Finnish European, 0.0023%; no homozygotes.

Submission:

Labcorp Genetics (formerly Invitae), Labcorp
Classification: Uncertain significance. Last evaluated: 2025-07-16. Review status: criteria provided, single submitter. Criteria: Invitae Variant Classification Sherloc (09022015). Collection method: clinical testing. Allele origin: germline.
Comment: This sequence change replaces valine, which is neutral and non-polar, with leucine, which is neutral and non-polar, at codon 20 of the TGFB1 protein (p.Val20Leu). This variant is present in population databases (rs746102616, gnomAD 0.004%). This variant has not been reported in the literature in individuals affected with TGFB1-related conditions. An algorithm developed to predict the effect of missense changes on protein structure and function outputs the following: PolyPhen-2: "Not Available". The leucine amino acid residue is found in multiple mammalian species, which suggests that this missense change does not adversely affect protein function. In summary, the available evidence is currently insufficient to determine the role of this variant in disease. Therefore, it has been classified as a Variant of Uncertain Significance.

NM_000660.7(TGFB1):c.58G>C (p.Val20Leu)

Gene: TGFB1 (transforming growth factor beta 1; minus strand). Cytogenetic location: 19q13.2.
Variant type: single nucleotide variant.
Coding change: c.58G>C on transcript NM_000660.7 (MANE Select); coding-DNA position 58, G replaced by C.
Protein change: p.Val20Leu; replaces valine 20 with leucine.
Molecular consequence: missense variant.
Genome position (GRCh38, 1-based): chr19:41,352,987, C>G on the plus strand (G>C on the coding strand, the complement: TGFB1 is on the minus strand). VCF-style: chr19-41352987-C-G. GRCh37 (hg19) VCF-style: chr19-41858892-C-G.
Other names: short protein forms V20L.
Identifiers: ClinVar variation 4705684 (VCV004705684.1).
Genomic context (GRCh38, chr19:41,352,987, plus strand): 5'-GCTCCATGTCGATAGTCTTGCAGGTGGATAGTCCCGCGGCCGGCCGGCCAGGCGTCAGCA[C>G]CAGTAGCCACAGCAGCGGTAGCAGCAGCGGCAGCAGCCGCAGCCCGGAGGGCGGCATGGG-3'
Protein context (NP_000651.3, residues 10-30): PLLLPLLWLL[Val20Leu]LTPGRPAAGL